The following is an entry in ClinVar:

ClinVar aggregate classification (germline): Pathogenic (1 of 4 stars; one submission).

Conditions:
Muscular dystrophy-dystroglycanopathy (congenital with brain and eye anomalies), type a, 12 (MDDGA12). Also called: WALKER-WARBURG SYNDROME OR MUSCLE-EYE-BRAIN DISEASE, POMK-RELATED. Identifiers: Orphanet 899, MedGen C3808964, MONDO:0014101, OMIM 615249.
Limb-girdle muscular dystrophy due to POMK deficiency. Also called: MUSCULAR DYSTROPHY-DYSTROGLYCANOPATHY, LIMB-GIRDLE, POMK-RELATED; Muscular dystrophy-dystroglycanopathy (limb-girdle), type c, 12. Identifiers: Orphanet 445110, MedGen C4015184, MONDO:0014489, OMIM 616094.

Allele frequency attached by ClinVar (database versions not stated): ExAC 0.00002; gnomAD exomes below 0.00001; gnomAD 0.00001.

Submission:

Labcorp Genetics (formerly Invitae), Labcorp
Classification: Pathogenic for Muscular dystrophy-dystroglycanopathy (congenital with brain and eye anomalies), type a, 12; Limb-girdle muscular dystrophy due to POMK deficiency. Last evaluated: 2025-04-28. Review status: criteria provided, single submitter. Criteria: Invitae Variant Classification Sherloc (09022015). Collection method: clinical testing. Allele origin: germline.
Comment: This sequence change creates a premature translational stop signal (p.Gln83*) in the POMK gene. While this is not anticipated to result in nonsense mediated decay, it is expected to disrupt the last 268 amino acid(s) of the POMK protein. This variant is present in population databases (rs751981817, gnomAD 0.004%). This variant has not been reported in the literature in individuals affected with POMK-related conditions. ClinVar contains an entry for this variant (Variation ID: 2165161). This variant disrupts a region of the POMK protein in which other variant(s) (p.Arg303*) have been determined to be pathogenic (internal data). This suggests that this is a clinically significant region of the protein, and that variants that disrupt it are likely to be disease-causing. For these reasons, this variant has been classified as Pathogenic.

NM_032237.5(POMK):c.247C>T (p.Gln83Ter)

Gene: POMK (protein O-mannose kinase; plus strand). Cytogenetic location: 8p11.21.
Variant type: single nucleotide variant.
Coding change: c.247C>T on transcript NM_032237.5 (MANE Select); coding-DNA position 247, C replaced by T.
Protein change: p.Gln83Ter; replaces glutamine 83 with a stop codon.
Molecular consequence: nonsense.
Genome position (GRCh38, 1-based): chr8:43,103,795, C>T. VCF-style: chr8-43103795-C-T. GRCh37 (hg19) VCF-style: chr8-42958938-C-T.
Other names: c.247C>T, p.Gln83Ter (NM_001277971.2); short protein forms Q83*.
Identifiers: ClinVar variation 2165161 (VCV002165161.4), dbSNP rs751981817, ClinGen allele CA4736226.